The following is an entry in ClinVar:

NM_001369.3(DNAH5):c.8030G>A (p.Arg2677Gln)

Gene: DNAH5 (dynein axonemal heavy chain 5; minus strand). Cytogenetic location: 5p15.2.
Variant type: single nucleotide variant.
Coding change: c.8030G>A on transcript NM_001369.3 (MANE Select); coding-DNA position 8030, G replaced by A.
Protein change: p.Arg2677Gln; replaces arginine 2677 with glutamine.
Molecular consequence: missense variant.
Genome position (GRCh38, 1-based): chr5:13,793,709, C>T on the plus strand (G>A on the coding strand, the complement: DNAH5 is on the minus strand). VCF-style: chr5-13793709-C-T. GRCh37 (hg19) VCF-style: chr5-13793818-C-T.
Other names: short protein forms R2677Q.
Identifiers: ClinVar variation 286676 (VCV000286676.25), dbSNP rs886043448, ClinGen allele CA10605536.
Genomic context (GRCh38, chr5:13,793,709, plus strand): 5'-ATGCTGGTGAACTCCCCAGGCTTCTCTAGATTATAGAATCCATTTTGTTCCATCAGCTGT[C>T]GCACTATCTCATTCGTAACCTACAAAAGACAACTTTCAGAATTAAAGCATCATTCCTTTC-3'
Protein context (NP_001360.1, residues 2667-2687): WGDQVTNEIV[Arg2677Gln]QLMEQNGFYN

ClinVar aggregate classification (germline): Conflicting classifications of pathogenicity. Review status: criteria provided, conflicting classifications (1 of 4 stars). 7 submissions from 7 submitters: Pathogenic (1); Likely pathogenic (4); Uncertain significance (1). 1 of the submissions does not count toward it. Last evaluated 2025-11-06.

Conditions:
Primary ciliary dyskinesia. Also called: Ciliary dyskinesia. Identifiers: Orphanet 244, MedGen C0008780, MONDO:0016575, HP:0012265.
Primary ciliary dyskinesia 3. Identifiers: Orphanet 244, MedGen C1837618, MONDO:0012085, OMIM 608644.

Allele frequency attached by ClinVar (database versions not stated): gnomAD 0.00001; gnomAD exomes 0.00001 and 0.00002; TOPMed 0.00001.
gnomAD v4.1: 10 of 1,613,920 alleles (0.00062%); highest among the groups gnomAD compares: African/African-American, 0.0013%; no homozygotes.

Submissions (7):

Labcorp Genetics (formerly Invitae), Labcorp
Classification: Pathogenic for Primary ciliary dyskinesia. Last evaluated: 2025-11-06. Review status: criteria provided, single submitter. Criteria: Invitae Variant Classification Sherloc (09022015). Collection method: clinical testing. Allele origin: germline.
Comment: This sequence change replaces arginine, which is basic and polar, with glutamine, which is neutral and polar, at codon 2677 of the DNAH5 protein (p.Arg2677Gln). This variant is present in population databases (no rsID available, gnomAD 0.005%). This missense change has been observed in individual(s) with primary ciliary dyskinesia (PMID: 24150548). ClinVar contains an entry for this variant (Variation ID: 286676). Invitae Evidence Modeling of protein sequence and biophysical properties (such as structural, functional, and spatial information, amino acid conservation, physicochemical variation, residue mobility, and thermodynamic stability) indicates that this missense variant is expected to disrupt DNAH5 protein function with a positive predictive value of 80%. For these reasons, this variant has been classified as Pathogenic.

Natera, Inc.
Classification: Likely pathogenic for Primary ciliary dyskinesia. Last evaluated: 2025-07-07. Review status: criteria provided, single submitter. Criteria: Natera Variant Classification Schema (03/2026). Collection method: clinical testing. Allele origin: germline.
Comment: The c.8030G>A variant in DNAH5 is a missense variant predicted to cause substitution of arginine to glutamine at amino acid 2677. This variant is rare in the general population with a frequency below the threshold expected for the associated phenotype(s). This variant has been observed in one or more individuals affected with the associated recessive disease, as either homozygous or compound heterozygous with a second variant (PMID: 34210339, 24150548, 33935161). Computational prediction algorithms indicate this variant is likely to affect gene or protein function. Given the available evidence, this variant is classified as Likely Pathogenic.

Myriad Genetics, Inc.
Classification: Likely pathogenic for Primary ciliary dyskinesia 3. Last evaluated: 2025-01-31. Review status: criteria provided, single submitter. Criteria: Myriad Autosomal Dominant, Autosomal Recessive and X-Linked Classification Criteria (2023). Collection method: clinical testing. Allele origin: unknown.
Comment: NM_001369.2(DNAH5):c.8030G>A(R2677Q) is a missense variant classified as likely pathogenic in the context of primary ciliary dyskinesia, DNAH5-related. R2677Q has been observed in cases with relevant disease (PMID: 34210339, 24150548, 32502479, Xia_2018_(Article)). Relevant functional assessments of this variant are not available in the literature. R2677Q has been observed in referenced population frequency databases. In summary, NM_001369.2(DNAH5):c.8030G>A(R2677Q) is a missense variant that has been observed more frequently in cases with the relevant disease than in healthy populations. Please note: this variant was assessed in the context of healthy population screening.

Fulgent Genetics
Classification: Likely pathogenic for Primary ciliary dyskinesia 3. Last evaluated: 2024-04-16. Review status: criteria provided, single submitter. Criteria: ACMG Guidelines, 2015. Collection method: clinical testing. Allele origin: germline.

Ambry Genetics
Classification: Likely pathogenic for Primary ciliary dyskinesia. Last evaluated: 2016-12-27. Review status: criteria provided, single submitter. Criteria: Ambry Variant Classification Scheme 2023. Collection method: clinical testing. Allele origin: germline.
Comment: The p.R2677Q variant (also known as c.8030G>A), located in coding exon 49 of the DNAH5 gene, results from a G to A substitution at nucleotide position 8030. The arginine at codon 2677 is replaced by glutamine, an amino acid with highly similar properties. This variant was detected in a homozygous individual with chronic rhinosinusitis, recurrent respiratory infections, bronchiectasis, and left-right laterality defects; This amino acid position is highly conserved in available vertebrate species. In addition, this alteration is predicted to be deleterious by in silico analysis. Based on the majority of available evidence to date, this variant is likely to be pathogenic.

Eurofins Ntd Llc (ga)
Classification: Uncertain significance. Last evaluated: 2016-03-22. Review status: criteria provided, single submitter. Criteria: EGL Classification Definitions 2015. Collection method: clinical testing. Allele origin: germline. Observed: 1 variant allele, 1 heterozygote.

Center for Molecular Medicine, Children’s Hospital of Fudan University
Classification: Likely pathogenic for Primary ciliary dyskinesia 3. Last evaluated: 2020-07-07. Review status: no assertion criteria provided. Collection method: clinical testing. Allele origin: paternal. Affected: yes. Not counted in ClinVar's aggregate classification.

Literature cited by the submitters: PubMed 24150548 (cited by 3 submitters); PubMed 34210339 (cited by Natera, Inc.); PubMed 33935161 (cited by Natera, Inc.); PubMed 27779714 (cited by Ambry Genetics).